The following is an entry in ClinVar:

NM_001130438.3(SPTAN1):c.5875C>G (p.Leu1959Val)

Gene: SPTAN1 (spectrin alpha, non-erythrocytic 1; plus strand). Cytogenetic location: 9q34.11.
Variant type: single nucleotide variant.
Coding change: c.5875C>G on transcript NM_001130438.3 (MANE Select); coding-DNA position 5875, C replaced by G.
Protein change: p.Leu1959Val; replaces leucine 1959 with valine.
Molecular consequence: missense variant.
Genome position (GRCh38, 1-based): chr9:128,624,370, C>G. VCF-style: chr9-128624370-C-G. GRCh37 (hg19) VCF-style: chr9-131386649-C-G.
Other names: c.5800C>G, p.Leu1934Val (NM_001195532.2); c.5875C>G, p.Leu1959Val (NM_001363759.2, NM_001375310.1, NM_001375311.2 and 1 more transcripts); c.5815C>G, p.Leu1939Val (NM_001363765.2, NM_001375314.2); c.5911C>G, p.Leu1971Val (NM_001375312.2, NM_001375318.1); c.5860C>G, p.Leu1954Val (NM_003127.4); short protein forms L1934V, L1954V, L1971V, L1939V, L1959V.
Identifiers: ClinVar variation 3635927 (VCV003635927.2).

ClinVar aggregate classification (germline): Uncertain significance (1 of 4 stars; one submission).

Conditions:
Early-infantile DEE. Also called: Early infantile epileptic encephalopathy; Ohtahara syndrome; Early infantile epileptic encephalopathy with suppression bursts. Identifiers: Orphanet 1934, MedGen C0393706, MONDO:0800491.

Submission:

Labcorp Genetics (formerly Invitae), Labcorp
Classification: Uncertain significance for Early-infantile DEE. Last evaluated: 2024-12-10. Review status: criteria provided, single submitter. Criteria: Invitae Variant Classification Sherloc (09022015). Collection method: clinical testing. Allele origin: germline.
Comment: This sequence change replaces leucine, which is neutral and non-polar, with valine, which is neutral and non-polar, at codon 1959 of the SPTAN1 protein (p.Leu1959Val). This variant is not present in population databases (gnomAD no frequency). This variant has not been reported in the literature in individuals affected with SPTAN1-related conditions. Invitae Evidence Modeling of protein sequence and biophysical properties (such as structural, functional, and spatial information, amino acid conservation, physicochemical variation, residue mobility, and thermodynamic stability) has been performed for this missense variant. However, the output from this modeling did not meet the statistical confidence thresholds required to predict the impact of this variant on SPTAN1 protein function. In summary, the available evidence is currently insufficient to determine the role of this variant in disease. Therefore, it has been classified as a Variant of Uncertain Significance.